The following is an entry in ClinVar:

ClinVar aggregate classification (germline): Conflicting classifications of pathogenicity. Review status: criteria provided, conflicting classifications (1 of 4 stars). 8 submissions from 8 submitters: Uncertain significance (6); Likely benign (2). Last evaluated 2025-04-09.

Conditions:
Cardiovascular phenotype. Identifiers: MedGen CN230736.
Autosomal recessive limb-girdle muscular dystrophy type 2J (LGMDR10). Also called: Limb-girdle muscular dystrophy, type 2J; MUSCULAR DYSTROPHY, LIMB-GIRDLE, AUTOSOMAL RECESSIVE 10. Identifiers: Orphanet 140922, MedGen C1837342, MONDO:0012127, OMIM 608807.
Hypertrophic cardiomyopathy 9. Also called: Familial hypertrophic cardiomyopathy 9. Identifiers: MedGen C1861065, MONDO:0013412, OMIM 613765.
Tibial muscular dystrophy (TMD). Also called: UDD MYOPATHY; Udd Distal Myopathy – Tibial Muscular Dystrophy; Tibial muscular dystrophy, tardive. Identifiers: Orphanet 609, MedGen C1838244, MONDO:0010870, OMIM 600334.
Dilated cardiomyopathy 1G (CMD1G). Identifiers: Orphanet 154, MedGen C1858763, MONDO:0011400, OMIM 604145.
Early-onset myopathy with fatal cardiomyopathy (CMYO5). Also called: Salih Myopathy; CONGENITAL MYOPATHY 5 WITH CARDIOMYOPATHY. Identifiers: Orphanet 289377, MedGen C2673677, MONDO:0012714, OMIM 611705. Disease mechanism: loss of function.
Myopathy, myofibrillar, 9, with early respiratory failure (MFM9). Also called: Hereditary myopathy with early respiratory failure; EDSTROM MYOPATHY; MYOPATHY, PROXIMAL, WITH EARLY RESPIRATORY MUSCLE INVOLVEMENT; Myopathy, distal, with early respiratory failure, autosomal dominant. Identifiers: Orphanet 178464, Orphanet 34521, MedGen C1863599, MONDO:0011362, OMIM 603689.
Cardiomyopathy (CMYO). Also called: Cardiomyopathies. Identifiers: Orphanet 167848, MedGen C0878544, MONDO:0004994, HP:0001638. Inheritance: Various modes of inheritance.

Allele frequency attached by ClinVar (database versions not stated): gnomAD exomes 0.00004; ExAC 0.00005; TOPMed 0.00005; gnomAD 0.00007; ESP Exome Variant Server 0.00008.
gnomAD v4.1: 84 of 1,613,376 alleles (0.0052%); highest among the groups gnomAD compares: African/African-American, 0.0093%; no homozygotes.

Submissions (8):

Molecular Diagnostic Laboratory for Inherited Cardiovascular Disease, Montreal Heart Institute
Classification: Likely benign. Last evaluated: 2025-04-09. Review status: criteria provided, single submitter. Criteria: ACMG Guidelines, 2015. Collection method: clinical testing. Allele origin: germline. Affected: no.

Blueprint Genetics
Classification: Likely benign. Last evaluated: 2024-09-23. Review status: criteria provided, single submitter. Criteria: ACMG Guidelines, 2015. Collection method: clinical testing. Allele origin: germline.

Department of Pathology and Laboratory Medicine, Sinai Health System
Classification: Uncertain significance for Tibial muscular dystrophy; Myopathy, myofibrillar, 9, with early respiratory failure; Dilated cardiomyopathy 1G; Autosomal recessive limb-girdle muscular dystrophy type 2J; Early-onset myopathy with fatal cardiomyopathy; Hypertrophic cardiomyopathy 9. Last evaluated: 2022-04-12. Review status: criteria provided, single submitter. Criteria: ACMG Guidelines, 2015. Collection method: research. Allele origin: germline.

Fulgent Genetics
Classification: Uncertain significance for Tibial muscular dystrophy; Myopathy, myofibrillar, 9, with early respiratory failure; Dilated cardiomyopathy 1G; Autosomal recessive limb-girdle muscular dystrophy type 2J; Early-onset myopathy with fatal cardiomyopathy; Hypertrophic cardiomyopathy 9. Last evaluated: 2021-09-30. Review status: criteria provided, single submitter. Criteria: ACMG Guidelines, 2015. Collection method: clinical testing. Allele origin: unknown.

CHEO Genetics Diagnostic Laboratory, Children's Hospital of Eastern Ontario
Classification: Uncertain significance for Cardiomyopathy. Last evaluated: 2019-11-07. Review status: criteria provided, single submitter. Criteria: ACMG Guidelines, 2015. Collection method: clinical testing. Allele origin: germline.

Ambry Genetics
Classification: Uncertain significance for Cardiovascular phenotype. Last evaluated: 2018-05-30. Review status: criteria provided, single submitter. Criteria: Ambry Variant Classification Scheme 2023. Collection method: clinical testing. Allele origin: germline.
Comment: The p.R17262Q variant (also known as c.51785G>A), located in coding exon 153 of the TTN gene, results from a G to A substitution at nucleotide position 51785. The arginine at codon 17262 is replaced by glutamine, an amino acid with highly similar properties. This alteration was reported (as NM_133378.4:c.71276G>A p.R23759Q) in one individual with dilated cardiomyopathy (DCM) who also had variants in other cardiac-related genes (Pugh TJ et al. Genet. Med., 2014 Aug;16:601-8). This amino acid position is highly conserved in available vertebrate species. In addition, this alteration is predicted to be tolerated by in silico analysis. Since supporting evidence is limited at this time, the clinical significance of this alteration remains unclear.

GeneDx
Classification: Uncertain significance. Last evaluated: 2014-02-28. Review status: criteria provided, single submitter. Criteria: GeneDx Variant Classification (06012015). Collection method: clinical testing. Allele origin: germline. Affected: yes.
Comment: Missense variants in the TTN gene are considered 'unclassified' if they are not previously reported in the literature and do not have >1% frequency in the population to be considered a polymorphism. Research indicates that truncating mutations in the TTN gene are expected to account for approximately 25% of familial and 18% of sporadic idiopathic DCM; however, truncating variants in the TTN gene have been reported in approximately 3% of reported control alleles. There has been little investigation into non-truncating variants. (Herman D et al. Truncations of titin causing dilated cardiomyopathy. N Eng J Med 366:619-628, 2012) The variant is found in DCM-CRDM panel(s).

Laboratory for Molecular Medicine, Mass General Brigham Personalized Medicine
Classification: Uncertain significance. Last evaluated: 2012-05-31. Review status: criteria provided, single submitter. Criteria: LMM Criteria. Collection method: clinical testing. Allele origin: germline. Observed: 1 variant allele.
Comment: The Arg23759Gln variant in TTN has not been reported in the literature nor previ ously identified by our laboratory. However, this variant has been identified in 0.02% (1/6636) of European American chromosomes from a broad population by the NHLBI Exome Sequencing Project. Computation al analyses (biochemical amino acid properties, conservation, AlignGVGD, PolyPhe n2, and SIFT) do not provide strong support for or against an impact to the prot ein. In summary, additional information is needed to fully assess the clinical significance of the Arg23759Gln variant.

Literature cited by the submitters: PubMed 24503780 (cited by Ambry Genetics).

NM_001267550.2(TTN):c.78980G>A (p.Arg26327Gln)

Genes: TTN (titin; minus strand), TTN-AS1 (TTN antisense RNA 1; plus strand). Cytogenetic location: 2q31.2.
Variant type: single nucleotide variant.
Coding change: c.78980G>A on transcript NM_001267550.2 (MANE Select); coding-DNA position 78980, G replaced by A.
Protein change: p.Arg26327Gln; replaces arginine 26327 with glutamine.
Molecular consequence: missense variant.
Genome position (GRCh38, 1-based): chr2:178,567,152, C>T on the plus strand (G>A on the coding strand, the complement: TTN is on the minus strand). VCF-style: chr2-178567152-C-T. GRCh37 (hg19) VCF-style: chr2-179431879-C-T.
Other names: p.R24686Q:CGA>CAA; c.74057G>A, p.Arg24686Gln (NM_001256850.1); c.71276G>A, p.Arg23759Gln (NM_133378.4); c.51785G>A, p.Arg17262Gln (NM_003319.4); c.52160G>A, p.Arg17387Gln (NM_133432.3); c.52361G>A, p.Arg17454Gln (NM_133437.4); short protein forms R26327Q, R23759Q, R24686Q, R17454Q, R17262Q, R17387Q.
Identifiers: ClinVar variation 47369 (VCV000047369.14), dbSNP rs370367786, ClinGen allele CA140819.